The following is an entry in ClinVar:

NM_001323289.2(CDKL5):c.680T>G (p.Leu227Arg)

Gene: CDKL5 (cyclin dependent kinase like 5; plus strand). Cytogenetic location: Xp22.13.
Variant type: single nucleotide variant.
Coding change: c.680T>G on transcript NM_001323289.2 (MANE Select); coding-DNA position 680, T replaced by G.
Protein change: p.Leu227Arg; replaces leucine 227 with arginine.
Molecular consequence: missense variant.
Genome position (GRCh38, 1-based): chrX:18,588,079, T>G. VCF-style: chrX-18588079-T-G. GRCh37 (hg19) VCF-style: chrX-18606199-T-G.
Other names: NM_001323289.2(CDKL5):c.680T>G; p.Leu227Arg; c.680T>G, p.Leu227Arg (NM_001037343.2, NM_003159.3); short protein forms L227R.
Identifiers: ClinVar variation 143832 (VCV000143832.4), dbSNP rs267608515, ClinGen allele CA170502.

ClinVar aggregate classification (germline): Uncertain significance. Review status: criteria provided, single submitter (1 of 4 stars). 2 submissions from 2 submitters: Uncertain significance (1). 1 of the submissions does not count toward it. Last evaluated 2024-09-09.

Conditions:
CDKL5 disorder. Identifiers: MedGen CN296942, MONDO:0100039.
Developmental and epileptic encephalopathy, 2 (DEE2). Also called: INFANTILE SPASM SYNDROME, X-LINKED 2; CDKL5 deficiency disorder. Identifiers: Orphanet 1934, Orphanet 3451, Orphanet 505652, MedGen C4750718, MONDO:0010396, OMIM 300672.

Submissions (2):

Centre for Population Genomics, CPG
Classification: Uncertain significance for CDKL5 disorder. Last evaluated: 2024-09-09. Review status: criteria provided, single submitter. Criteria: McKnight et al. (Hum Mutat. 2022). Collection method: curation. Allele origin: germline. Inheritance: X-linked inheritance.
Comment: This variant has been collected from RettBASE and curated to current modified ACMG/AMP criteria. Based on the classification scheme defined by the ClinGen Rett/Angelman-like Expert Panel for Rett/AS-like Disorders Specifications to the ACMG/AMP Variant Interpretation Guidelines VCEP 3.0, this variant is classified as a variant of uncertain significance. At least the following criteria are met: This variant has been identified as a de novo occurrence in an individual with CDKL5 disorder without confirmation of paternity and maternity (PM6, PMID: 19793311). This variant is absent from gnomAD (PM2_Supporting).

RettBASE
Classification: Likely pathogenic for Epileptic encephalopathy, early infantile, 2. Last evaluated: 2014-03-13. Review status: no assertion criteria provided. Collection method: curation. Allele origin: de novo. Affected: yes. Observed: 1 variant allele. Not counted in ClinVar's aggregate classification.
Comment: In silico prediction: SIFT = deleterious, MutationTaster = disease-causing, PolyPhen2 = probably damaging, AlignGVGD = pathogenic (C65)

Literature cited by the submitters: PubMed 19793311 (cited by RettBASE).